The following is an entry in ClinVar:

Conditions:
Arteriohepatic dysplasia. Also called: Alagille Syndrome. Identifiers: Orphanet 52, MedGen C0085280, MeSH D016738, MONDO:0007318.

Submission:

Gilbert/Spinner Lab, Children's Hospital of Philadelphia
No classification provided (evidence only). Condition: Alagille syndrome. Review status: no classification provided. Collection method: research. Allele origin: not applicable. Functional consequence: functionally_abnormal.
ClinVar note: "not provided" was previously submitted as the classification for the variant. However, the classification appeared to be based only on an observation of functional data so it was converted to no classification on 2025-07-30.

NM_000214.3(JAG1):c.824T>C (p.Ile275Thr)

Gene: JAG1 (jagged canonical Notch ligand 1; minus strand). Cytogenetic location: 20p12.2.
Variant type: single nucleotide variant.
Coding change: c.824T>C on transcript NM_000214.3 (MANE Select); coding-DNA position 824, T replaced by C.
Protein change: p.Ile275Thr; replaces isoleucine 275 with threonine.
Molecular consequence: missense variant.
Genome position (GRCh38, 1-based): chr20:10,652,530, A>G on the plus strand (T>C on the coding strand, the complement: JAG1 is on the minus strand). VCF-style: chr20-10652530-A-G. GRCh37 (hg19) VCF-style: chr20-10633178-A-G.
Other names: short protein forms I275T.
Identifiers: ClinVar variation 3573117 (VCV003573117.2).